The following is an entry in ClinVar:

NC_000004.11:g.(?_178363383)_(178363529_?)del

Gene: AGA (aspartylglucosaminidase; minus strand). Cytogenetic location: 4q34.3.
Variant type: Deletion.
Identifiers: ClinVar variation 3246599 (VCV003246599.1).

ClinVar aggregate classification (germline): Pathogenic (1 of 4 stars; one submission).

Conditions:
Aspartylglucosaminuria (AGU). Also called: AGA DEFICIENCY; GLYCOASPARAGINASE; GLYCOSYLASPARAGINASE DEFICIENCY; Aspartylglucos-aminuria; Aspartylglucos-amidase (AGA) deficiency. Identifiers: Orphanet 93, MedGen C0268225, MONDO:0008830, OMIM 208400, HP:0012068.

Submission:

Labcorp Genetics (formerly Invitae), Labcorp
Classification: Pathogenic for Aspartylglucosaminuria. Last evaluated: 2023-10-30. Review status: criteria provided, single submitter. Criteria: Invitae Variant Classification Sherloc (09022015). Collection method: clinical testing. Allele origin: unknown.
Comment: This variant is a gross deletion of the genomic region encompassing exon(s) 1 of the AGA gene, which includes the initiator codon. This deletion extends beyond the assayed region for this gene and therefore may encompass additional genes. It is expected to result in an absent or disrupted protein product. Loss-of-function variants in AGA are known to be pathogenic (PMID: 7627186, 11309371). This variant has not been reported in the literature in individuals affected with AGA-related conditions. For these reasons, this variant has been classified as Pathogenic.

Literature cited by the submitters: PubMed 7627186; PubMed 11309371.